The following is an entry in ClinVar:

NM_001164508.2(NEB):c.18940G>A (p.Val6314Ile)

Gene: NEB (nebulin; minus strand). Cytogenetic location: 2q23.3.
Variant type: single nucleotide variant.
Coding change: c.18940G>A on transcript NM_001164508.2 (MANE Select); coding-DNA position 18940, G replaced by A.
Protein change: p.Val6314Ile; replaces valine 6314 with isoleucine.
Molecular consequence: missense variant.
Genome position (GRCh38, 1-based): chr2:151,562,166, C>T on the plus strand (G>A on the coding strand, the complement: NEB is on the minus strand). VCF-style: chr2-151562166-C-T. GRCh37 (hg19) VCF-style: chr2-152418680-C-T.
Other names: c.18940G>A, p.Val6314Ile (NM_001164507.2, NM_001271208.2); c.13837G>A, p.Val4613Ile (NM_004543.5); short protein forms V6314I, V4613I.
Identifiers: ClinVar variation 1416720 (VCV001416720.5), dbSNP rs764044045, ClinGen allele CA1907805.

ClinVar aggregate classification (germline): Uncertain significance (1 of 4 stars; one submission).

Conditions:
Nemaline myopathy 2 (NEM2). Also called: Nemaline myopathy 2, autosomal recessive. Identifiers: MedGen C1850569, MONDO:0009725, OMIM 256030.

Allele frequency attached by ClinVar (database versions not stated): gnomAD exomes below 0.00001; ExAC 0.00001; TOPMed 0.00001.
gnomAD v4.1: 8 of 1,613,606 alleles (0.0005%); highest among the groups gnomAD compares: South Asian, 0.0011%; no homozygotes.

Submission:

Labcorp Genetics (formerly Invitae), Labcorp
Classification: Uncertain significance for Nemaline myopathy 2. Last evaluated: 2021-09-17. Review status: criteria provided, single submitter. Criteria: Invitae Variant Classification Sherloc (09022015). Collection method: clinical testing. Allele origin: germline.
Comment: This sequence change replaces valine with isoleucine at codon 6314 of the NEB protein (p.Val6314Ile). The valine residue is moderately conserved and there is a small physicochemical difference between valine and isoleucine. This variant is present in population databases (rs764044045, ExAC 0.006%). This variant has not been reported in the literature in individuals affected with NEB-related conditions. Algorithms developed to predict the effect of missense changes on protein structure and function are either unavailable or do not agree on the potential impact of this missense change (SIFT: "Deleterious"; PolyPhen-2: "Not Available"; Align-GVGD: "Class C0"). In summary, the available evidence is currently insufficient to determine the role of this variant in disease. Therefore, it has been classified as a Variant of Uncertain Significance.